The following is an entry in ClinVar:

NM_021954.4(GJA3):c.*2864T>C

Gene: GJA3 (gap junction protein alpha 3; minus strand). Cytogenetic location: 13q12.11.
Variant type: single nucleotide variant.
Coding change: c.*2864T>C on transcript NM_021954.4 (MANE Select); 2864 bases downstream of the stop codon, T replaced by C.
Molecular consequence: 3 prime UTR variant.
Genome position (GRCh38, 1-based): chr13:20,139,117, A>G on the plus strand (T>C on the coding strand, the complement: GJA3 is on the minus strand). VCF-style: chr13-20139117-A-G. GRCh37 (hg19) VCF-style: chr13-20713256-A-G.
Identifiers: ClinVar variation 311292 (VCV000311292.6), dbSNP rs140291136, ClinGen allele CA10642940.
Genomic context (GRCh38, chr13:20,139,117, plus strand): 5'-TTAAGGATTTATTCGTGTCAATTTTATTAAAAAATACAAGAATAACCATTAAAAGTTTAA[A>G]AAGGAGAAAGTGAGTGATAATATAAGTAATAGTTTTAGAATTTAAAAAATGATTTTTGGT-3'

ClinVar aggregate classification (germline): Benign. Review status: criteria provided, multiple submitters, no conflicts (2 of 4 stars). 2 submissions from 2 submitters: Benign (2). Last evaluated 2018-01-13.

Conditions:
Cataract 14 multiple types. Also called: CATARACT 14, ZONULAR PULVERULENT; CATARACT 14, NUCLEAR PULVERULENT; CATARACT 14, NUCLEAR PULVERULENT AND POSTERIOR POLAR; CATARACT 14, NUCLEAR CORALLIFORM; CATARACT 14, EMBRYONAL NUCLEAR; CATARACT 14, COPPOCK-LIKE. Identifiers: Orphanet 91492, MedGen C1866078, MONDO:0011162, OMIM 601885.

Allele frequency attached by ClinVar (database versions not stated): 1000 Genomes Project 0.00459; 1000 Genomes Project 30x 0.00609; gnomAD 0.01054 and 0.01090; TOPMed 0.01020.

Submissions (2):

Illumina Laboratory Services, Illumina
Classification: Benign for Cataract 14 multiple types. Last evaluated: 2018-01-13. Review status: criteria provided, single submitter. Criteria: ICSL Variant Classification Criteria 13 December 2019. Collection method: clinical testing. Allele origin: germline.
Comment: This variant was observed in the ICSL laboratory as part of a predisposition screen in an ostensibly healthy population. It had not been previously curated by ICSL or reported in the Human Gene Mutation Database (HGMD: prior to June 1st, 2018), and was therefore a candidate for classification through an automated scoring system. Utilizing variant allele frequency, disease prevalence and penetrance estimates, and inheritance mode, an automated score was calculated to assess if this variant is too frequent to cause the disease. Based on the score and internal cut-off values, a variant classified as benign is not then subjected to further curation. The score for this variant resulted in a classification of benign for this disease.

Breakthrough Genomics
Classification: Benign. Review status: criteria provided, single submitter. Criteria: ACMG Guidelines, 2015. Collection method: not provided. Allele origin: germline. Inheritance: Autosomal dominant inheritance. Affected: yes.